The following is an entry in ClinVar:

NM_001009944.3(PKD1):c.2966_2967del (p.Ala989fs)

Gene: PKD1 (polycystin 1, transient receptor potential channel interacting; minus strand). Cytogenetic location: 16p13.3.
Variant type: Microsatellite.
Coding change: c.2966_2967del on transcript NM_001009944.3 (MANE Select); coding-DNA positions 2966 to 2967, 2 bases deleted (CG; older notation c.2966_2967delCG).
Protein change: p.Ala989fs; shifts the reading frame from alanine 989.
Molecular consequence: frameshift variant.
Genome position (GRCh38, 1-based): chr16:2,113,179-2,113,180, CG deleted on the plus strand (CG on the coding strand, the reverse complement: PKD1 is on the minus strand); deleting any 2 consecutive bases within chr16:2,113,179-2,113,183 gives the same sequence; the c. name uses the placement nearest the transcript's 3' end. VCF-style (leftmost placement, unchanged base first): chr16-2113178-CCG-C. GRCh37 (hg19) VCF-style: chr16-2163179-CCG-C.
Other names: c.2966_2967del, p.Ala989fs (NM_000296.4); short protein forms A989fs.
Identifiers: ClinVar variation 4539018 (VCV004539018.1).

ClinVar aggregate classification (germline): Pathogenic (1 of 4 stars; one submission).

Conditions:
Polycystic kidney disease, adult type (PKD1). Also called: Polycystic Kidney, Autosomal Dominant; POLYCYSTIC KIDNEY DISEASE, ADULT, TYPE I; Polycystic Kidney Disease 1, Autosomal Dominant; Polycystic kidney disease 1; Polycystic kidney disease 1, severe; POLYCYSTIC KIDNEY DISEASE 1 WITH OR WITHOUT POLYCYSTIC LIVER DISEASE. Identifiers: MedGen C3149841, MONDO:0008263, OMIM 173900.

Submission:

Department of Human Genetics, Hannover Medical School
Classification: Pathogenic for Polycystic kidney disease, adult type. Last evaluated: 2025-12-29. Review status: criteria provided, single submitter. Criteria: ACMG Guidelines, 2015. Collection method: clinical testing. Allele origin: germline. Affected: yes.
Comment: PVS1, PM2_Supporting, PP4_Strong